The following is an entry in ClinVar:

ClinVar aggregate classification (germline): Uncertain significance (1 of 4 stars; one submission).

Conditions:
Primary familial hypertrophic cardiomyopathy (HCM). Identifiers: Orphanet 99739, MedGen C0949658, MeSH D024741, MONDO:0024573. Inheritance: Various modes of inheritance.
Dilated cardiomyopathy 1AA (CMD1AA). Also called: CARDIOMYOPATHY, DILATED, 1AA, WITH OR WITHOUT LEFT VENTRICULAR NONCOMPACTION; CARDIOMYOPATHY, FAMILIAL HYPERTROPHIC, 23, WITH OR WITHOUT LEFT VENTRICULAR NONCOMPACTION; Cardiomyopathy, dilated, 1AA, with or without LVNC. Identifiers: Orphanet 154, MedGen C2677338, MONDO:0012808, OMIM 612158.

Submission:

Labcorp Genetics (formerly Invitae), Labcorp
Classification: Uncertain significance for Primary familial hypertrophic cardiomyopathy; Dilated cardiomyopathy 1AA. Last evaluated: 2026-01-04. Review status: criteria provided, single submitter. Criteria: Invitae Variant Classification Sherloc (09022015). Collection method: clinical testing. Allele origin: germline.
Comment: This sequence change replaces serine, which is neutral and polar, with threonine, which is neutral and polar, at codon 874 of the ACTN2 protein (p.Ser874Thr). This variant is not present in population databases (gnomAD no frequency). This variant has not been reported in the literature in individuals affected with ACTN2-related conditions. Invitae Evidence Modeling of protein sequence and biophysical properties (such as structural, functional, and spatial information, amino acid conservation, physicochemical variation, residue mobility, and thermodynamic stability) indicates that this missense variant is not expected to disrupt ACTN2 protein function with a negative predictive value of 80%. In summary, the available evidence is currently insufficient to determine the role of this variant in disease. Therefore, it has been classified as a Variant of Uncertain Significance.

NM_001103.4(ACTN2):c.2621G>C (p.Ser874Thr)

Gene: ACTN2 (actinin alpha 2; plus strand). Cytogenetic location: 1q43.
Variant type: single nucleotide variant.
Coding change: c.2621G>C on transcript NM_001103.4 (MANE Select); coding-DNA position 2621, G replaced by C.
Protein change: p.Ser874Thr; replaces serine 874 with threonine.
Molecular consequence: missense variant. On other transcripts: non-coding transcript variant (1).
Genome position (GRCh38, 1-based): chr1:236,762,555, G>C. VCF-style: chr1-236762555-G-C. GRCh37 (hg19) VCF-style: chr1-236925855-G-C.
Other names: c.2621G>C, p.Ser874Thr (NM_001278343.2); short protein forms S874T.
Identifiers: ClinVar variation 4782709 (VCV004782709.1).
Genomic context (GRCh38, chr1:236,762,555, plus strand): 5'-TGCCCCCGGATCAGGCCCAGTACTGCATCAAGAGGATGCCCGCCTACTCGGGCCCAGGCA[G>C]TGTGCCTGGTGCACTGGATTACGCTGCGTTCTCTTCCGCACTCTACGGGGAGAGCGATCT-3'
Protein context (NP_001094.1, residues 864-884): KRMPAYSGPG[Ser874Thr]VPGALDYAAF